The following is an entry in ClinVar:

ClinVar aggregate classification (germline): Uncertain significance (1 of 4 stars; one submission).

Conditions:
Congenital adrenal hyperplasia due to cytochrome P450 oxidoreductase deficiency. Also called: DISORDERED STEROIDOGENESIS DUE TO POR DEFICIENCY. Identifiers: Orphanet 95699, MedGen C1860042, MONDO:0013310, OMIM 613571.

gnomAD v4.1: 2 of 1,541,666 alleles (0.00013%); highest among the groups gnomAD compares: Non-Finnish European, 0.00018%; no homozygotes.

Submission:

Labcorp Genetics (formerly Invitae), Labcorp
Classification: Uncertain significance for Congenital adrenal hyperplasia due to cytochrome P450 oxidoreductase deficiency. Last evaluated: 2023-06-19. Review status: criteria provided, single submitter. Criteria: Invitae Variant Classification Sherloc (09022015). Collection method: clinical testing. Allele origin: germline.
Comment: In summary, the available evidence is currently insufficient to determine the role of this variant in disease. Therefore, it has been classified as a Variant of Uncertain Significance. Advanced modeling of protein sequence and biophysical properties (such as structural, functional, and spatial information, amino acid conservation, physicochemical variation, residue mobility, and thermodynamic stability) performed at Invitae indicates that this missense variant is expected to disrupt POR protein function. ClinVar contains an entry for this variant (Variation ID: 1438483). This variant has not been reported in the literature in individuals affected with POR-related conditions. This variant is not present in population databases (gnomAD no frequency). This sequence change replaces aspartic acid, which is acidic and polar, with histidine, which is basic and polar, at codon 212 of the POR protein (p.Asp212His).

NM_001395413.1(POR):c.625G>C (p.Asp209His)

Gene: POR (cytochrome p450 oxidoreductase; plus strand). Cytogenetic location: 7q11.23.
Variant type: single nucleotide variant.
Coding change: c.625G>C on transcript NM_001395413.1 (MANE Select); coding-DNA position 625, G replaced by C.
Protein change: p.Asp209His; replaces aspartic acid 209 with histidine.
Molecular consequence: missense variant.
Genome position (GRCh38, 1-based): chr7:75,981,165, G>C. VCF-style: chr7-75981165-G-C. GRCh37 (hg19) VCF-style: chr7-75610483-G-C.
Other names: c.625G>C, p.Asp209His (NM_001367562.3, NM_001382657.2, NM_001382658.3 and 2 more transcripts); c.679G>C, p.Asp227His (NM_001382655.3); short protein forms D209H, D227H.
Identifiers: ClinVar variation 1438483 (VCV001438483.4), dbSNP rs374707345, ClinGen allele CA367748186.